The following is an entry in ClinVar:

NM_001939.3(DRP2):c.653G>A (p.Arg218His)

Gene: DRP2 (dystrophin related protein 2; plus strand). Cytogenetic location: Xq22.1.
Variant type: single nucleotide variant.
Coding change: c.653G>A on transcript NM_001939.3 (MANE Select); coding-DNA position 653, G replaced by A.
Protein change: p.Arg218His; replaces arginine 218 with histidine.
Molecular consequence: missense variant.
Genome position (GRCh38, 1-based): chrX:101,241,761, G>A. VCF-style: chrX-101241761-G-A. GRCh37 (hg19) VCF-style: chrX-100496750-G-A.
Other names: c.419G>A, p.Arg140His (NM_001171184.2); c.653G>A (NM_001939.2); short protein forms R140H, R218H.
Identifiers: ClinVar variation 870772 (VCV000870772.48), dbSNP rs368516281, ClinGen allele CA333089788.

ClinVar aggregate classification (germline): Conflicting classifications of pathogenicity. Review status: criteria provided, conflicting classifications (1 of 4 stars). 3 submissions from 3 submitters: Uncertain significance (2); Likely benign (1). Last evaluated 2025-07-02.

Allele frequency attached by ClinVar (database versions not stated): gnomAD exomes 0.00002.
gnomAD v4.1: 11 of 1,211,697 alleles (0.00091%); highest among the groups gnomAD compares: Middle Eastern, 0.046%; no homozygotes.

Submissions (3):

Labcorp Genetics (formerly Invitae), Labcorp
Classification: Uncertain significance. Last evaluated: 2025-07-02. Review status: criteria provided, single submitter. Criteria: Invitae Variant Classification Sherloc (09022015). Collection method: clinical testing. Allele origin: germline.
Comment: This sequence change replaces arginine, which is basic and polar, with histidine, which is basic and polar, at codon 218 of the DRP2 protein (p.Arg218His). The frequency data for this variant in the population databases is considered unreliable, as metrics indicate poor data quality at this position in the gnomAD database. This variant has not been reported in the literature in individuals affected with DRP2-related conditions. ClinVar contains an entry for this variant (Variation ID: 870772). An algorithm developed to predict the effect of missense changes on protein structure and function (PolyPhen-2) suggests that this variant is likely to be disruptive. In summary, the available evidence is currently insufficient to determine the role of this variant in disease. Therefore, it has been classified as a Variant of Uncertain Significance.

Ambry Genetics
Classification: Uncertain significance. Last evaluated: 2021-11-12. Review status: criteria provided, single submitter. Criteria: Ambry Variant Classification Scheme 2023. Collection method: clinical testing. Allele origin: germline.

CeGaT Center for Human Genetics Tuebingen
Classification: Likely benign. Last evaluated: 2020-07-01. Review status: criteria provided, single submitter. Criteria: CeGaT Center For Human Genetics Tuebingen Variant Classification Criteria Version 2. Collection method: clinical testing. Allele origin: germline. Affected: yes. Observed: 1 variant allele.